The following is an entry in ClinVar:

ClinVar aggregate classification (germline): Uncertain significance (1 of 4 stars; one submission).

Allele frequency attached by ClinVar (database versions not stated): gnomAD 0.00001; TOPMed 0.00001.
gnomAD v4.1: 6 of 1,612,488 alleles (0.00037%); highest among the groups gnomAD compares: Non-Finnish European, 0.00051%; no homozygotes.

Submission:

Labcorp Genetics (formerly Invitae), Labcorp
Classification: Uncertain significance. Last evaluated: 2022-10-21. Review status: criteria provided, single submitter. Criteria: Invitae Variant Classification Sherloc (09022015). Collection method: clinical testing. Allele origin: germline.
Comment: In summary, the available evidence is currently insufficient to determine the role of this variant in disease. Therefore, it has been classified as a Variant of Uncertain Significance. Advanced modeling of protein sequence and biophysical properties (such as structural, functional, and spatial information, amino acid conservation, physicochemical variation, residue mobility, and thermodynamic stability) performed at Invitae indicates that this missense variant is not expected to disrupt FGFR3 protein function. ClinVar contains an entry for this variant (Variation ID: 856459). This variant has not been reported in the literature in individuals affected with FGFR3-related conditions. This variant is present in population databases (no rsID available, gnomAD 0.007%). This sequence change replaces threonine, which is neutral and polar, with isoleucine, which is neutral and non-polar, at codon 581 of the FGFR3 protein (p.Thr581Ile).

NM_000142.5(FGFR3):c.1742C>T (p.Thr581Ile)

Gene: FGFR3 (fibroblast growth factor receptor 3; plus strand). Cytogenetic location: 4p16.3.
Variant type: single nucleotide variant.
Coding change: c.1742C>T on transcript NM_000142.5 (MANE Select); coding-DNA position 1742, C replaced by T.
Protein change: p.Thr581Ile; replaces threonine 581 with isoleucine.
Molecular consequence: missense variant. On other transcripts: non-coding transcript variant (1).
Genome position (GRCh38, 1-based): chr4:1,805,846, C>T. VCF-style: chr4-1805846-C-T. GRCh37 (hg19) VCF-style: chr4-1807573-C-T.
Other names: c.1748C>T, p.Thr583Ile (NM_001163213.2); c.1745C>T, p.Thr582Ile (NM_001354809.2, NM_001354810.2); c.1406C>T, p.Thr469Ile (NM_022965.4); short protein forms T583I, T581I, T469I, T582I.
Identifiers: ClinVar variation 856459 (VCV000856459.10), dbSNP rs914339017, ClinGen allele CA91257200.